The following is an entry in ClinVar:

ClinVar aggregate classification (germline): Uncertain significance (1 of 4 stars; one submission).

Submission:

Women's Health and Genetics/Laboratory Corporation of America, LabCorp
Classification: Uncertain significance. Last evaluated: 2020-11-06. Review status: criteria provided, single submitter. Criteria: LabCorp Variant Classification Summary - May 2015. Collection method: clinical testing. Allele origin: germline.
Comment: Variant summary: CFTR c.273+10255delC is located at a position not widely known to affect splicing. 4/4 computational tools predict no significant impact on normal splicing. However, these predictions have yet to be confirmed by functional studies. The variant allele was found at a frequency of 3.2e-05 in 31364 control chromosomes in the gnomAD database. The available data on variant occurrences in the general population are insufficient to allow any conclusion about variant significance. To our knowledge, no occurrence of c.273+10255delC in individuals affected with Cystic Fibrosis and no experimental evidence demonstrating its impact on protein function have been reported. No clinical diagnostic laboratories have submitted clinical-significance assessments for this variant to ClinVar after 2014. Based on the evidence outlined above, the variant was classified as uncertain significance.

Literature cited by the submitters: PubMed 19236881.

NM_000492.4(CFTR):c.273+10255del

Gene: CFTR (CF transmembrane conductance regulator; plus strand). Cytogenetic location: 7q31.2.
Variant type: Deletion.
Coding change: c.273+10255del on transcript NM_000492.4 (MANE Select); 10255 bases into the intron after coding-DNA position 273, one base deleted (C; older notation c.273+10255delC).
Molecular consequence: intron variant.
Genome position (GRCh38, 1-based): chr7:117,519,397, C deleted; the last of 3 consecutive C bases (chr7:117,519,395-117,519,397); deleting any one gives the same sequence. VCF-style (leftmost placement, unchanged base first): chr7-117519394-AC-A. GRCh37 (hg19) VCF-style: chr7-117159448-AC-A.
Other names: c.273+10255delC (NM_000492.3).
Identifiers: ClinVar variation 35845 (VCV000035845.2), dbSNP rs193922507, ClinGen allele CA260219.
Genomic context (GRCh38, chr7:117,519,394, plus strand): 5'-CCAAAAACTATTGTCAGACTCTGCTGTATCAAAATAGACAAAAAATTGACACTCACTTTT[AC>A]CCTGCCAAAAGCAAAATCTTAAACTTTTGCTTTAGTATATAAGCCAGCATTCATTGTATC-3'